The following is an entry in ClinVar:

ClinVar aggregate classification (germline): Uncertain significance. Review status: criteria provided, multiple submitters, no conflicts (2 of 4 stars). 2 submissions from 2 submitters: Uncertain significance (2). Last evaluated 2025-10-15.

Allele frequency attached by ClinVar (database versions not stated): ExAC 0.00009; 1000 Genomes Project 30x 0.00047; 1000 Genomes Project 0.00060; gnomAD 0.00007; gnomAD exomes 0.00008.
gnomAD v4.1: 122 of 1,614,020 alleles (0.0076%); highest among the groups gnomAD compares: South Asian, 0.035%; 1 homozygote.

Submissions (2):

Ambry Genetics
Classification: Uncertain significance. Last evaluated: 2025-10-15. Review status: criteria provided, single submitter. Criteria: Ambry Variant Classification Scheme 2023. Collection method: clinical testing. Allele origin: germline.

Women's Health and Genetics/Laboratory Corporation of America, LabCorp
Classification: Uncertain significance. Last evaluated: 2023-09-06. Review status: criteria provided, single submitter. Criteria: LabCorp Variant Classification Summary - May 2015. Collection method: clinical testing. Allele origin: germline.
Comment: Variant summary: FAT2 c.698G>A (p.Gly233Asp) results in a non-conservative amino acid change in the encoded protein sequence. Three of five in-silico tools predict a damaging effect of the variant on protein function. The variant allele was found at a frequency of 7.2e-05 in 250934 control chromosomes (gnomAD). To our knowledge, no occurrence of c.698G>A in individuals affected with Spinocerebellar Ataxia 45 and no experimental evidence demonstrating its impact on protein function have been reported. No submitters have cited clinical-significance assessments for this variant to ClinVar after 2014. Based on the evidence outlined above, the variant was classified as uncertain significance.

NM_001447.3(FAT2):c.698G>A (p.Gly233Asp)

Gene: FAT2 (FAT atypical cadherin 2; minus strand). Cytogenetic location: 5q33.1.
Variant type: single nucleotide variant.
Coding change: c.698G>A on transcript NM_001447.3 (MANE Select); coding-DNA position 698, G replaced by A.
Protein change: p.Gly233Asp; replaces glycine 233 with aspartic acid.
Molecular consequence: missense variant.
Genome position (GRCh38, 1-based): chr5:151,568,234, C>T on the plus strand (G>A on the coding strand, the complement: FAT2 is on the minus strand). VCF-style: chr5-151568234-C-T. GRCh37 (hg19) VCF-style: chr5-150947795-C-T.
Other names: short protein forms G233D.
Identifiers: ClinVar variation 2627126 (VCV002627126.2), dbSNP rs547050498, ClinGen allele CA3522388.